The following is an entry in ClinVar:

NM_004036.5(ADCY3):c.557G>A (p.Ser186Asn)

Gene: ADCY3 (adenylate cyclase 3; minus strand). Cytogenetic location: 2p23.3.
Variant type: single nucleotide variant.
Coding change: c.557G>A on transcript NM_004036.5 (MANE Select); coding-DNA position 557, G replaced by A.
Protein change: p.Ser186Asn; replaces serine 186 with asparagine.
Molecular consequence: missense variant.
Genome position (GRCh38, 1-based): chr2:24,918,431, C>T on the plus strand (G>A on the coding strand, the complement: ADCY3 is on the minus strand). VCF-style: chr2-24918431-C-T. GRCh37 (hg19) VCF-style: chr2-25141300-C-T.
Other names: c.557G>A, p.Ser186Asn (NM_001320613.2, NM_001377128.1, NM_001377129.1 and 2 more transcripts); short protein forms S186N.
Identifiers: ClinVar variation 3051321 (VCV003051321.2), dbSNP rs568519847, ClinGen allele CA1554482.
Genomic context (GRCh38, chr2:24,918,431, plus strand): 5'-CCCAGGACCAACGTGTGCACCACACAGGAGACCACGGAGATGATCACGATGGGGCTGAGG[C>T]TGAGGGGCAGCGTGATGAAGAAGGAGAAGACAAAGAAGACCTGCCAGCCCACCGTGTCAC-3'
Protein context (NP_004027.2, residues 176-196): VFSFFITLPL[Ser186Asn]LSPIVIISVV

ClinVar aggregate classification (germline): Likely benign (0 of 4 stars; one submission).

Conditions:
ADCY3-related disorder. Also called: ADCY3-related condition.

Allele frequency attached by ClinVar (database versions not stated): TOPMed 0.00003; gnomAD 0.00011; gnomAD exomes 0.00012; ExAC 0.00033; 1000 Genomes Project 30x 0.00109; 1000 Genomes Project 0.00140.
gnomAD v4.1: 199 of 1,613,926 alleles (0.012%); highest among the groups gnomAD compares: South Asian, 0.18%; 5 homozygotes.

Submission:

PreventionGenetics, part of Exact Sciences
Classification: Likely benign for ADCY3-related condition. Last evaluated: 2022-01-27. Review status: no assertion criteria provided. Collection method: clinical testing. Allele origin: germline.
Comment: This variant is classified as likely benign based on ACMG/AMP sequence variant interpretation guidelines (Richards et al. 2015 PMID: 25741868, with internal and published modifications).